The following is an entry in ClinVar:

NM_001040142.2(SCN2A):c.3778A>G (p.Lys1260Glu)

Gene: SCN2A (sodium voltage-gated channel alpha subunit 2; plus strand). Cytogenetic location: 2q24.3.
Variant type: single nucleotide variant.
Coding change: c.3778A>G on transcript NM_001040142.2 (MANE Select); coding-DNA position 3778, A replaced by G.
Protein change: p.Lys1260Glu; replaces lysine 1260 with glutamic acid.
Molecular consequence: missense variant.
Genome position (GRCh38, 1-based): chr2:165,370,228, A>G. VCF-style: chr2-165370228-A-G. GRCh37 (hg19) VCF-style: chr2-166226738-A-G.
Other names: NM_001040142.2(SCN2A):c.3778A>G; p.Lys1260Glu; c.3778A>G, p.Lys1260Glu (NM_001040143.2, NM_001371246.1, NM_001371247.1 and 1 more transcripts); short protein forms K1260E.
Identifiers: ClinVar variation 984831 (VCV000984831.6), dbSNP rs1553591813, ClinGen allele CA349028090.
Genomic context (GRCh38, chr2:165,370,228, plus strand): 5'-ACCATGTTAGAATATGCTGACAAGGTTTTCACTTACATATTCATTCTGGAAATGCTGCTA[A>G]AGTGGGTTGCATATGGTTTTCAAGTGTATTTTACCAATGCCTGGTGCTGGCTAGACTTCC-3'
Protein context (NP_001035232.1, residues 1250-1270): TYIFILEMLL[Lys1260Glu]WVAYGFQVYF

ClinVar aggregate classification (germline): Likely pathogenic. Review status: reviewed by expert panel (3 of 4 stars). 2 submissions from 2 submitters: Likely pathogenic (1). 1 of the submissions does not count toward it. Last evaluated 2024-04-23.

Conditions:
Complex neurodevelopmental disorder. Identifiers: Orphanet 528084, MedGen C5568766, MONDO:0100038.
Developmental and epileptic encephalopathy, 11 (DEE11). Also called: Early infantile epileptic encephalopathy 11. Identifiers: Orphanet 1934, MedGen C3150987, MONDO:0013388, OMIM 613721.
Seizures, benign familial infantile, 3 (BFIS3). Also called: CONVULSIONS, BENIGN FAMILIAL INFANTILE, 3; Familial neonatal seizures. Identifiers: Orphanet 140927, Orphanet 306, MedGen C1843140, MONDO:0011904, OMIM 607745.

Submissions (3):

ClinGen Epilepsy Sodium Channel Variant Curation Expert Panel, Clingen
Classification: Likely pathogenic for Complex neurodevelopmental disorder. Last evaluated: 2024-04-23. Review status: reviewed by expert panel. Criteria: ClinGen EpilepsySCN ACMG Specifications SCN2A V1.0.0. Collection method: curation. Allele origin: germline.
Comment: The c.3778A>G variant in SCN2A is a missense variant predicted to cause substitution of Lysine by Glutamic Acid at amino acid 1260 (p.Lys1260Glu). The variant has been identified as a de novo occurrence with unconfirmed parental relationships in one individual with a consistent phenotype (Early Infantile Epileptic Encephalopathy) in the published literature (PMID:26993267) as well as an additional individual with a consistent phenotype (Complex Neurodevelopmental Disorder) with unknown inheritance in unpublished literature (O'Connor et al.. An additional reported case was identified but could not exclude possibility of overlap with other reported cases (internal data, Simons Searchlight). Of note, in all reported instances of this variant, an additional variant at the same position was identified (p.Lys1260Gln; interpretation of this additional variant would achieve Likely Pathogenic classification independent of proband evidence, refer to separate entry by the ClinGen Sodium Channel Variant Curation Expert Panel, PM5_supporting). The p.Lys1260Glu variant is absent from the population database gnomAD v3.1.2 and v4.0 (PM2_Supporting). The computational predictor REVEL gives a score of 0.958, which is above the threshold of 0.773, evidence that correlates with a maximum strength of (PP3_Moderate). Functional evidence, including heterologous expression with voltage clamping, has shown a shift of at least 4.1mV (value = -4.3, PMID:37578743) in voltage dependence of inactivation (PS3). Our EP recognizes the difficulty in distinguishing the contribution of each variant in the clinical presentation of each individual. However, there was a lack of evidence to suggest that either was contributing more or less than the other, or that either was benign, and therefore evidence criteria for PS4 or BP2 was not applied. This classification may be updated should either of these variants be identified in isolation. In summary, this variant meets the criteria to be classified as Likely Pathogenic for autosomal dominant complex neurodevelopmental disorder based on the ACMG/AMP criteria applied, as specified by the ClinGen Epilepsy Sodium Channel VCEP: PS3, PM2_supporting, PM5_supporting, PP3_moderate. (version 1.0; March 26, 2024).

Labcorp Genetics (formerly Invitae), Labcorp
Classification: Uncertain significance for Seizures, benign familial infantile, 3; Developmental and epileptic encephalopathy, 11. Last evaluated: 2025-10-28. Review status: criteria provided, single submitter. Criteria: Invitae Variant Classification Sherloc (09022015). Collection method: clinical testing. Allele origin: germline. Not counted in ClinVar's aggregate classification.
Comment: This sequence change replaces lysine, which is basic and polar, with glutamic acid, which is acidic and polar, at codon 1260 of the SCN2A protein (p.Lys1260Glu). This variant is not present in population databases (gnomAD no frequency). This missense change has been observed in individual(s) with clinical features of SCN2A-related conditions (PMID: 26993267, 37578743). ClinVar contains an entry for this variant (Variation ID: 984831). Invitae Evidence Modeling of protein sequence and biophysical properties (such as structural, functional, and spatial information, amino acid conservation, physicochemical variation, residue mobility, and thermodynamic stability) indicates that this missense variant is expected to disrupt SCN2A protein function with a positive predictive value of 95%. Experimental studies have shown that this missense change affects SCN2A function (PMID: 37578743). In summary, the available evidence is currently insufficient to determine the role of this variant in disease. Therefore, it has been classified as a Variant of Uncertain Significance.

Channelopathy-Associated Epilepsy Research Center
No classification provided (evidence only). Condition: Complex neurodevelopmental disorder. Review status: no classification provided. Collection method: literature only. Allele origin: not applicable. Functional consequence: Normal peak current, Normal voltage dependence of activation, Normal slope of activation, Normal voltage dependence of fast inactivation, Normal slope of fast inactivation, Normal rate of recovery from fast inactivation, Normal recovery from slow inactivation, Normal fast inactivation, Normal ramp current, Normal persistent current. Not counted in ClinVar's aggregate classification.
ClinVar note: "not provided" was previously submitted as the classification for the variant. However, the classification appeared to be based only on an observation of functional data so it was converted to no classification on 2025-07-30.

Literature cited by the submitters: PubMed 26993267 (cited by Labcorp Genetics (formerly Invitae), Labcorp); PubMed 37578743 (cited by Labcorp Genetics (formerly Invitae), Labcorp and Channelopathy-Associated Epilepsy Research Center).